The following is an entry in ClinVar:

NM_000443.4(ABCB4):c.1136G>C (p.Ser379Thr)

Gene: ABCB4 (ATP binding cassette subfamily B member 4; minus strand). Cytogenetic location: 7q21.12.
Variant type: single nucleotide variant.
Coding change: c.1136G>C on transcript NM_000443.4 (MANE Select); coding-DNA position 1136, G replaced by C.
Protein change: p.Ser379Thr; replaces serine 379 with threonine.
Molecular consequence: missense variant.
Genome position (GRCh38, 1-based): chr7:87,443,757, C>G on the plus strand (G>C on the coding strand, the complement: ABCB4 is on the minus strand). VCF-style: chr7-87443757-C-G. GRCh37 (hg19) VCF-style: chr7-87073073-C-G.
Other names: c.1136G>C, p.Ser379Thr (NM_018849.3, NM_018850.3); short protein forms S379T.
Identifiers: ClinVar variation 3031183 (VCV003031183.2), dbSNP rs2546838779, ClinGen allele CA368045905.

ClinVar aggregate classification (germline): Uncertain significance (0 of 4 stars; one submission).

Conditions:
ABCB4-related disorder. Also called: ABCB4-related disorders; ABCB4-related condition.

Submission:

PreventionGenetics, part of Exact Sciences
Classification: Uncertain significance for ABCB4-related condition. Last evaluated: 2024-07-02. Review status: no assertion criteria provided. Collection method: clinical testing. Allele origin: germline.
Comment: The ABCB4 c.1136G>C variant is predicted to result in the amino acid substitution p.Ser379Thr. To our knowledge, this variant has not been reported in the literature or in a large population database, indicating this variant is rare. A different variant affecting the same amino acid (p.Ser379Asn) has been reported in one individual with low phospholipid-associated cholelithiasis phenotype and classified as a variant of uncertain significance (Table S1, de Vries. 2020. PubMed ID: 32893960). At this time, the clinical significance of this variant is uncertain due to the absence of conclusive functional and genetic evidence.